The following is an entry in ClinVar:

ClinVar aggregate classification (germline): Benign. Review status: criteria provided, multiple submitters, no conflicts (2 of 4 stars). 2 submissions from 2 submitters: Benign (2). Last evaluated 2018-01-13.

Conditions:
Inherited prion disease. Identifiers: Orphanet 280400, MedGen C5679775, MONDO:0017234.

Allele frequency attached by ClinVar (database versions not stated): gnomAD exomes 0.00021; gnomAD 0.01606 and 0.01727; 1000 Genomes Project 30x 0.01702; 1000 Genomes Project 0.01717; TOPMed 0.01799.

Submissions (2):

Illumina Laboratory Services, Illumina
Classification: Benign for Genetic prion diseases. Last evaluated: 2018-01-13. Review status: criteria provided, single submitter. Criteria: ICSL Variant Classification Criteria 13 December 2019. Collection method: clinical testing. Allele origin: germline.
Comment: This variant was observed in the ICSL laboratory as part of a predisposition screen in an ostensibly healthy population. It had not been previously curated by ICSL or reported in the Human Gene Mutation Database (HGMD: prior to June 1st, 2018), and was therefore a candidate for classification through an automated scoring system. Utilizing variant allele frequency, disease prevalence and penetrance estimates, and inheritance mode, an automated score was calculated to assess if this variant is too frequent to cause the disease. Based on the score and internal cut-off values, a variant classified as benign is not then subjected to further curation. The score for this variant resulted in a classification of benign for this disease.

Breakthrough Genomics
Classification: Benign. Review status: criteria provided, single submitter. Criteria: ACMG Guidelines, 2015. Collection method: not provided. Allele origin: germline. Inheritance: Other. Affected: yes.

NM_000311.5(PRNP):c.*697A>G

Gene: PRNP (prion protein (Kanno blood group); plus strand). Cytogenetic location: 20p13.
Variant type: single nucleotide variant.
Coding change: c.*697A>G on transcript NM_000311.5 (MANE Select); 697 bases downstream of the stop codon, A replaced by G.
Molecular consequence: 3 prime UTR variant.
Genome position (GRCh38, 1-based): chr20:4,700,679, A>G. VCF-style: chr20-4700679-A-G. GRCh37 (hg19) VCF-style: chr20-4681325-A-G.
Other names: c.*697A>G (NM_001080121.3, NM_001080122.3, NM_001080123.3 and 1 more transcripts); c.*1148A>G (NM_001271561.3).
Identifiers: ClinVar variation 338664 (VCV000338664.6), dbSNP rs73896126, ClinGen allele CA10652593.
Genomic context (GRCh38, chr20:4,700,679, plus strand): 5'-GTCACAACACTGAACCTCTGGCTAGAGGACATATTCACAGTGAACATAACTGTAACATAT[A>G]TGAAAGGCTTCTGGGACTTGAAATCAAATGTTTGGGAATGGTGCCCTTGGAGGCAACCTC-3'